The following is an entry in ClinVar:

NM_006231.4(POLE):c.5892_5906del (p.Glu1965_Glu1969del)

Gene: POLE (DNA polymerase epsilon, catalytic subunit; minus strand). Cytogenetic location: 12q24.33.
Variant type: Deletion.
Coding change: c.5892_5906del on transcript NM_006231.4 (MANE Select); coding-DNA positions 5892 to 5906, 15 bases deleted (GGAAGAGGCGGAGGA).
Protein change: p.Glu1965_Glu1969del.
Molecular consequence: inframe deletion.
Genome position (GRCh38, 1-based): chr12:132,634,284-132,634,298, TCCTCCGCCTCTTCC deleted on the plus strand (GGAAGAGGCGGAGGA on the coding strand, the reverse complement: POLE is on the minus strand); deleting any 15 consecutive bases within chr12:132,634,284-132,634,304 gives the same sequence; the c. name uses the placement nearest the transcript's 3' end. VCF-style (leftmost placement, unchanged base first): chr12-132634283-TTCCTCCGCCTCTTCC-T. GRCh37 (hg19) VCF-style: chr12-133210869-TTCCTCCGCCTCTTCC-T.
Other names: c.5892_5906del15 (NM_006231.2).
Identifiers: ClinVar variation 959810 (VCV000959810.10), dbSNP rs2041992024, ClinGen allele CA1139662975.

ClinVar aggregate classification (germline): Uncertain significance. Review status: criteria provided, multiple submitters, no conflicts (2 of 4 stars). 2 submissions from 2 submitters: Uncertain significance (2). Last evaluated 2026-04-02.

Conditions:
Hereditary cancer-predisposing syndrome. Also called: Hereditary Cancer Syndrome; Neoplastic Syndromes, Hereditary; Tumor predisposition; Hereditary neoplastic syndrome. Identifiers: Orphanet 140162, MedGen C0027672, MeSH D009386, MONDO:0015356.

Submissions (2):

Ambry Genetics
Classification: Uncertain significance for Hereditary cancer-predisposing syndrome. Last evaluated: 2026-04-02. Review status: criteria provided, single submitter. Criteria: Ambry Variant Classification Scheme 2023. Collection method: clinical testing. Allele origin: germline.
Comment: The c.5892_5906del15 variant (also known as p.E1965_E1969del) is located in coding exon 43 of the POLE gene. This variant results from an in-frame deletion of 15 nucleotides at nucleotide positions 5892 to 5906. This results in the in-frame deletion of 5 amino acids at codons 1965 to 1969. This amino acid region is not well conserved in available vertebrate species. Based on the available evidence, the clinical significance of this variant remains unclear.

Labcorp Genetics (formerly Invitae), Labcorp
Classification: Uncertain significance. Last evaluated: 2024-02-12. Review status: criteria provided, single submitter. Criteria: Invitae Variant Classification Sherloc (09022015). Collection method: clinical testing. Allele origin: germline.
Comment: This variant, c.5892_5906del, results in the deletion of 5 amino acid(s) of the POLE protein (p.Glu1965_Glu1969del), but otherwise preserves the integrity of the reading frame. This variant is not present in population databases (gnomAD no frequency). This variant has not been reported in the literature in individuals affected with POLE-related conditions. ClinVar contains an entry for this variant (Variation ID: 959810). Experimental studies and prediction algorithms are not available or were not evaluated, and the functional significance of this variant is currently unknown. In summary, the available evidence is currently insufficient to determine the role of this variant in disease. Therefore, it has been classified as a Variant of Uncertain Significance.